The following is an entry in ClinVar:

NM_014208.3(DSPP):c.3055_3075del (p.Ser1019_Ser1025del)

Genes: DMP1-AS1 (DMP1 and DSPP antisense RNA 1; minus strand), DSPP (dentin sialophosphoprotein; plus strand). Cytogenetic location: 4q22.1.
Variant type: Deletion.
Coding change: c.3055_3075del on transcript NM_014208.3 (MANE Select); coding-DNA positions 3055 to 3075, 21 bases deleted (AGTGACAGCAGCAATAGCAGT).
Protein change: p.Ser1019_Ser1025del.
Molecular consequence: inframe deletion.
Genome position (GRCh38, 1-based): chr4:87,615,717-87,615,737, AGTGACAGCAGCAATAGCAGT deleted; deleting any 21 consecutive bases within chr4:87,615,714-87,615,737 gives the same sequence; the c. name uses the placement nearest the transcript's 3' end. VCF-style (leftmost placement, unchanged base first): chr4-87615713-TAGTAGTGACAGCAGCAATAGC-T. GRCh37 (hg19) VCF-style: chr4-88536865-TAGTAGTGACAGCAGCAATAGC-T.
Identifiers: ClinVar variation 2654901 (VCV002654901.25), dbSNP rs751466519, ClinGen allele CA3001377.
Genomic context (GRCh38, chr4:87,615,713, plus strand): 5'-CAGTGATAGCAGCAACAGCAGTGATAGCAGTGACAGCAGTGACAGCAGTGATAGCAGTAA[TAGTAGTGACAGCAGCAATAGC>T]AGTGACAGCAGCAACAGCAGTGACAGCAGCGATAGCAGTGACAGCAGCGATAGCAGTGAC-3'

ClinVar aggregate classification (germline): Likely benign. Review status: criteria provided, multiple submitters, no conflicts (2 of 4 stars). 2 submissions from 2 submitters: Likely benign (2). Last evaluated 2024-08-12.

Submissions (2):

Blueprint Genetics
Classification: Likely benign. Last evaluated: 2024-08-12. Review status: criteria provided, single submitter. Criteria: ACMG Guidelines, 2015. Collection method: clinical testing. Allele origin: germline.

CeGaT Center for Human Genetics Tuebingen
Classification: Likely benign. Last evaluated: 2023-02-01. Review status: criteria provided, single submitter. Criteria: CeGaT Center For Human Genetics Tuebingen Variant Classification Criteria Version 2. Collection method: clinical testing. Allele origin: germline. Affected: yes. Observed: 1 variant allele.
Comment: DSPP: BS2